The following is an entry in ClinVar:

NM_001367624.2(ZNF469):c.7130C>T (p.Pro2377Leu)

Gene: ZNF469 (zinc finger protein 469; plus strand). Cytogenetic location: 16q24.2.
Variant type: single nucleotide variant.
Coding change: c.7130C>T on transcript NM_001367624.2 (MANE Select); coding-DNA position 7130, C replaced by T.
Protein change: p.Pro2377Leu; replaces proline 2377 with leucine.
Molecular consequence: missense variant.
Genome position (GRCh38, 1-based): chr16:88,434,600, C>T. VCF-style: chr16-88434600-C-T. GRCh37 (hg19) VCF-style: chr16-88501008-C-T.
Other names: NM_001127464.2:c.7046C>T; NM_001127464.1:c.7046C>T; short protein forms P2377L.
Identifiers: ClinVar variation 1702149 (VCV001702149.7), dbSNP rs768036751, ClinGen allele CA8225216.

ClinVar aggregate classification (germline): Conflicting classifications of pathogenicity. Review status: criteria provided, conflicting classifications (1 of 4 stars). 3 submissions from 3 submitters: Uncertain significance (2); Likely benign (1). Last evaluated 2024-07-05.

Conditions:
Cardiovascular phenotype. Identifiers: MedGen CN230736.
Ehlers-Danlos syndrome (EDS). Identifiers: Orphanet 98249, MedGen C0013720, MONDO:0020066.

Allele frequency attached by ClinVar (database versions not stated): gnomAD 0.00005; TOPMed 0.00007; gnomAD exomes 0.00008; ExAC 0.00012.
gnomAD v4.1: 82 of 1,550,180 alleles (0.0053%); highest among the groups gnomAD compares: East Asian, 0.16%; no homozygotes.

Submissions (3):

Ambry Genetics
Classification: Likely benign for Cardiovascular phenotype. Last evaluated: 2024-07-05. Review status: criteria provided, single submitter. Criteria: Ambry Variant Classification Scheme 2023. Collection method: clinical testing. Allele origin: germline.

GeneDx
Classification: Uncertain significance. Last evaluated: 2023-06-02. Review status: criteria provided, single submitter. Criteria: GeneDx Variant Classification Process June 2021. Collection method: clinical testing. Allele origin: germline. Affected: yes.
Comment: In silico analysis supports that this missense variant does not alter protein structure/function; Has not been previously published as pathogenic or benign to our knowledge

Genome Diagnostics Laboratory, The Hospital for Sick Children
Classification: Uncertain significance for Ehlers-Danlos syndrome. Last evaluated: 2021-06-23. Review status: criteria provided, single submitter. Criteria: ACMG Guidelines, 2015. Collection method: clinical testing. Allele origin: germline.